The following is an entry in ClinVar:

ClinVar aggregate classification (germline): Uncertain significance (1 of 4 stars; one submission).

gnomAD v4.1: 6 of 1,612,890 alleles (0.00037%); highest among the groups gnomAD compares: African/African-American, 0.0013%; no homozygotes.

Submission:

Ambry Genetics
Classification: Uncertain significance. Last evaluated: 2024-12-02. Review status: criteria provided, single submitter. Criteria: Ambry Variant Classification Scheme 2023. Collection method: clinical testing. Allele origin: germline.
Comment: The p.E658Q variant (also known as c.1972G>C), located in coding exon 10 of the ATRIP gene, results from a G to C substitution at nucleotide position 1972. The glutamic acid at codon 658 is replaced by glutamine, an amino acid with highly similar properties. This amino acid position is conserved. In addition, this alteration is predicted to be tolerated by in silico analysis. Based on the available evidence, the clinical significance of this variant remains unclear.

NM_130384.3(ATRIP):c.1972G>C (p.Glu658Gln)

Genes: ATRIP (ATR interacting protein; plus strand), ATRIP-TREX1 (ATRIP-TREX1 readthrough; plus strand). Cytogenetic location: 3p21.31.
Variant type: single nucleotide variant.
Coding change: c.1972G>C on transcript NM_130384.3 (MANE Select); coding-DNA position 1972, G replaced by C.
Protein change: p.Glu658Gln; replaces glutamic acid 658 with glutamine.
Molecular consequence: missense variant. On other transcripts: non-coding transcript variant (1).
Genome position (GRCh38, 1-based): chr3:48,464,130, G>C. VCF-style: chr3-48464130-G-C. GRCh37 (hg19) VCF-style: chr3-48505529-G-C.
Other names: c.1591G>C, p.Glu531Gln (NM_001271022.2); c.1693G>C, p.Glu565Gln (NM_001271023.2); c.1972G>C, p.Glu658Gln (NM_032166.4); short protein forms E658Q, E531Q, E565Q.
Identifiers: ClinVar variation 3464890 (VCV003464890.1).